The following is an entry in ClinVar:

ClinVar aggregate classification (germline): Uncertain significance. Review status: criteria provided, multiple submitters, no conflicts (2 of 4 stars). 2 submissions from 2 submitters: Uncertain significance (2). Last evaluated 2025-03-17.

Conditions:
Inborn genetic diseases. Identifiers: MedGen C0950123, MeSH D030342.

Allele frequency attached by ClinVar (database versions not stated): TOPMed 0.00002; gnomAD 0.00003; ExAC 0.00004.

Submissions (2):

Labcorp Genetics (formerly Invitae), Labcorp
Classification: Uncertain significance. Last evaluated: 2025-03-17. Review status: criteria provided, single submitter. Criteria: Invitae Variant Classification Sherloc (09022015). Collection method: clinical testing. Allele origin: germline.
Comment: This sequence change replaces glycine, which is neutral and non-polar, with arginine, which is basic and polar, at codon 392 of the TBX6 protein (p.Gly392Arg). This variant is present in population databases (rs773515679, gnomAD 0.008%). This variant has not been reported in the literature in individuals affected with TBX6-related conditions. ClinVar contains an entry for this variant (Variation ID: 1979473). Invitae Evidence Modeling of protein sequence and biophysical properties (such as structural, functional, and spatial information, amino acid conservation, physicochemical variation, residue mobility, and thermodynamic stability) indicates that this missense variant is not expected to disrupt TBX6 protein function with a negative predictive value of 80%. Algorithms developed to predict the effect of sequence changes on RNA splicing suggest that this variant may create or strengthen a splice site. In summary, the available evidence is currently insufficient to determine the role of this variant in disease. Therefore, it has been classified as a Variant of Uncertain Significance.

Ambry Genetics
Classification: Uncertain significance for Inborn genetic diseases. Last evaluated: 2025-01-24. Review status: criteria provided, single submitter. Criteria: Ambry Variant Classification Scheme 2023. Collection method: clinical testing. Allele origin: germline.

NM_004608.4(TBX6):c.1174G>A (p.Gly392Arg)

Gene: TBX6 (T-box transcription factor 6; minus strand). Cytogenetic location: 16p11.2.
Variant type: single nucleotide variant.
Coding change: c.1174G>A on transcript NM_004608.4 (MANE Select); coding-DNA position 1174, G replaced by A.
Protein change: p.Gly392Arg; replaces glycine 392 with arginine.
Molecular consequence: missense variant.
Genome position (GRCh38, 1-based): chr16:30,086,362, C>T on the plus strand (G>A on the coding strand, the complement: TBX6 is on the minus strand). VCF-style: chr16-30086362-C-T. GRCh37 (hg19) VCF-style: chr16-30097683-C-T.
Other names: c.1174G>A (NM_004608.3); short protein forms G392R.
Identifiers: ClinVar variation 1979473 (VCV001979473.5), dbSNP rs773515679, ClinGen allele CA8001654.